The following is an entry in ClinVar:

ClinVar aggregate classification (germline): Likely benign. Review status: criteria provided, multiple submitters, no conflicts (2 of 4 stars). 5 submissions from 5 submitters: Likely benign (5). Last evaluated 2026-05-26.

Conditions:
Arrhythmogenic right ventricular dysplasia 10. Also called: Arrhythmogenic right ventricular dysplasia/cardiomyopathy, type 10; Arrhythmogenic Right Ventricular Dysplasia/Cardiomyopathy10; ARRHYTHMOGENIC RIGHT VENTRICULAR DYSPLASIA, FAMILIAL, 10. Identifiers: MedGen C1857777, MONDO:0012434, OMIM 610193.

Allele frequency attached by ClinVar (database versions not stated): gnomAD exomes 0.00003 and 0.00013; gnomAD 0.00006 and 0.00007; TOPMed 0.00006; ExAC 0.00007.
gnomAD v4.1: 60 of 1,613,606 alleles (0.0037%); highest among the groups gnomAD compares: Admixed American, 0.032%; no homozygotes.

Submissions (5):

Women's Health and Genetics/Laboratory Corporation of America, LabCorp
Classification: Likely benign. Last evaluated: 2026-05-26. Review status: criteria provided, single submitter. Criteria: LabCorp Variant Classification Summary - May 2015. Collection method: clinical testing. Allele origin: germline.
Comment: Variant summary: DSG2 c.2001+20A>G alters a nucleotide located at a position not widely known to affect splicing. Consensus agreement among computation tools predict no significant impact on normal splicing. However, these predictions have yet to be confirmed by functional studies. The variant allele was found at a frequency of 0.00013 in 248668 control chromosomes. This frequency is not significantly higher than estimated for disease-causing variants in DSG2, allowing no conclusion about variant significance. To our knowledge, no occurrence of c.2001+20A>G in individuals affected with DSG2-related conditions and no experimental evidence demonstrating its impact on protein function have been reported. ClinVar contains an entry for this variant (Variation ID: 377804). Based on the evidence outlined above, the variant was classified as likely benign.

Labcorp Genetics (formerly Invitae), Labcorp
Classification: Likely benign for Arrhythmogenic right ventricular dysplasia 10. Last evaluated: 2026-01-27. Review status: criteria provided, single submitter. Criteria: Invitae Variant Classification Sherloc (09022015). Collection method: clinical testing. Allele origin: germline.

Blueprint Genetics
Classification: Likely benign. Last evaluated: 2024-06-17. Review status: criteria provided, single submitter. Criteria: ACMG Guidelines, 2015. Collection method: clinical testing. Allele origin: germline.

ARUP Laboratories, Molecular Genetics and Genomics, ARUP Laboratories
Classification: Likely benign. Last evaluated: 2020-07-24. Review status: criteria provided, single submitter. Criteria: ARUP Molecular Germline Variant Investigation Process. Collection method: clinical testing. Allele origin: germline.

GeneDx
Classification: Likely benign. Last evaluated: 2015-11-10. Review status: criteria provided, single submitter. Criteria: GeneDx Variant Classification (06012015). Collection method: clinical testing. Allele origin: germline. Affected: yes.
Comment: This variant is considered likely benign or benign based on one or more of the following criteria: it is a conservative change, it occurs at a poorly conserved position in the protein, it is predicted to be benign by multiple in silico algorithms, and/or has population frequency not consistent with disease.

NM_001943.5(DSG2):c.2001+20A>G

Gene: DSG2 (desmoglein 2; plus strand). Cytogenetic location: 18q12.1.
Variant type: single nucleotide variant.
Coding change: c.2001+20A>G on transcript NM_001943.5 (MANE Select); 20 bases into the intron after coding-DNA position 2001, A replaced by G.
Molecular consequence: intron variant.
Genome position (GRCh38, 1-based): chr18:31,541,334, A>G. VCF-style: chr18-31541334-A-G. GRCh37 (hg19) VCF-style: chr18-29121297-A-G.
Other names: c.2001+20A>G (LRG_397t1).
Identifiers: ClinVar variation 377804 (VCV000377804.17), dbSNP rs746383404, ClinGen allele CA044510.